The following is an entry in ClinVar:

NC_012920.1(MT-CYB):m.15266A>G

Gene: MT-CYB (mitochondrially encoded cytochrome b; plus strand).
Variant type: single nucleotide variant.
Genome position: chrM-15266-A-G.
Identifiers: ClinVar variation 693857 (VCV000693857.1), dbSNP rs1603225185, ClinGen allele CA913173396.
Genomic context (GRCh38, chrMT:15,266, plus strand): 5'-CCATACATTGGGACAGACCTAGTTCAATGAATCTGAGGAGGCTACTCAGTAGACAGTCCC[A>G]CCCTCACACGATTCTTTACCTTTCACTTCATCTTGCCCTTCATTATTGCAGCCCTAGCAA-3'

ClinVar aggregate classification (germline): Uncertain significance (1 of 4 stars; one submission).

Conditions:
Leigh syndrome (NULS). Also called: Leigh's necrotizing encephalopathy; Leigh's disease; Leigh's syndrome; LEIGH SYNDROME, NUCLEAR; Leigh Syndrome (mtDNA deletion); Leigh Disease. Identifiers: Orphanet 506, MedGen C2931891, MONDO:0009723, OMIM 256000.

Submission:

Wong Mito Lab, Molecular and Human Genetics, Baylor College of Medicine
Classification: Uncertain significance for Leigh syndrome. Last evaluated: 2019-10-17. Review status: criteria provided, single submitter. Criteria: Modified ACMG Guidelines (Unpublished). Collection method: clinical testing. Allele origin: germline.
Comment: The NC_012920.1:m.15266A>G (YP_003024038.1:p.Thr174Ala) variant in MTCYB gene is interpretated to be a Uncertain Significance variant based on the modified ACMG guidelines (unpublished). This variant meets the following evidence codes: BS1